The following is an entry in ClinVar:

NM_000393.5(COL5A2):c.2101C>A (p.Pro701Thr)

Gene: COL5A2 (collagen type V alpha 2 chain; minus strand). Cytogenetic location: 2q32.2.
Variant type: single nucleotide variant.
Coding change: c.2101C>A on transcript NM_000393.5 (MANE Select); coding-DNA position 2101, C replaced by A.
Protein change: p.Pro701Thr; replaces proline 701 with threonine.
Molecular consequence: missense variant.
Genome position (GRCh38, 1-based): chr2:189,058,878, G>T on the plus strand (C>A on the coding strand, the complement: COL5A2 is on the minus strand). VCF-style: chr2-189058878-G-T. GRCh37 (hg19) VCF-style: chr2-189923604-G-T.
Other names: short protein forms P701T.
Identifiers: ClinVar variation 196731 (VCV000196731.11), dbSNP rs765785677, ClinGen allele CA243856.
Genomic context (GRCh38, chr2:189,058,878, plus strand): 5'-CAACATTAATCATGAAGATTAAAATACTTACTCTAGGTCCTAACGGGCCAACTGCTCCGG[G>T]ATCTCCAGGAACACCCTATAAACACATTTTTTTTTTTTAATGGAACAAGAGCTTTGAGTT-3'
Protein context (NP_000384.2, residues 691-711): KPGDQGVPGD[Pro701Thr]GAVGPLGPRG

ClinVar aggregate classification (germline): Uncertain significance. Review status: criteria provided, multiple submitters, no conflicts (2 of 4 stars). 2 submissions from 2 submitters: Uncertain significance (2). Last evaluated 2021-10-05.

Conditions:
Ehlers-Danlos syndrome, classic type, 1 (EDSCL1). Also called: Ehlers-Danlos syndrome, type 1; Ehlers-Danlos Syndrome, Classic Type, COL5A1-Related; EDS I; EHLERS-DANLOS SYNDROME, GRAVIS TYPE; EHLERS-DANLOS SYNDROME, SEVERE CLASSIC TYPE. Identifiers: MedGen C0268335, MONDO:0019567, OMIM 130000.

Allele frequency attached by ClinVar (database versions not stated): gnomAD 0.00001; TOPMed 0.00001.
gnomAD v4.1: 16 of 1,608,958 alleles (0.00099%); highest among the groups gnomAD compares: Non-Finnish European, 0.0014%; no homozygotes.

Submissions (2):

Labcorp Genetics (formerly Invitae), Labcorp
Classification: Uncertain significance for Ehlers-Danlos syndrome, classic type, 1. Last evaluated: 2021-10-05. Review status: criteria provided, single submitter. Criteria: Invitae Variant Classification Sherloc (09022015). Collection method: clinical testing. Allele origin: germline.
Comment: This sequence change replaces proline with threonine at codon 701 of the COL5A2 protein (p.Pro701Thr). The proline residue is highly conserved and there is a small physicochemical difference between proline and threonine. This variant is not present in population databases (ExAC no frequency). This variant has not been reported in the literature in individuals affected with COL5A2-related conditions. ClinVar contains an entry for this variant (Variation ID: 196731). Algorithms developed to predict the effect of missense changes on protein structure and function (SIFT, PolyPhen-2, Align-GVGD) all suggest that this variant is likely to be tolerated. In summary, the available evidence is currently insufficient to determine the role of this variant in disease. Therefore, it has been classified as a Variant of Uncertain Significance.

Eurofins Ntd Llc (ga)
Classification: Uncertain significance. Last evaluated: 2014-11-15. Review status: criteria provided, single submitter. Criteria: EGL Classification Definitions 2015. Collection method: clinical testing. Allele origin: germline. Observed: 1 variant allele, 1 heterozygote.